The following is an entry in ClinVar:

NM_000088.4(COL1A1):c.3533G>A (p.Gly1178Asp)

Gene: COL1A1 (collagen type I alpha 1 chain; minus strand). Cytogenetic location: 17q21.33.
Variant type: single nucleotide variant.
Coding change: c.3533G>A on transcript NM_000088.4 (MANE Select); coding-DNA position 3533, G replaced by A.
Protein change: p.Gly1178Asp; replaces glycine 1178 with aspartic acid.
Molecular consequence: missense variant.
Genome position (GRCh38, 1-based): chr17:50,186,921, C>T on the plus strand (G>A on the coding strand, the complement: COL1A1 is on the minus strand). VCF-style: chr17-50186921-C-T. GRCh37 (hg19) VCF-style: chr17-48264282-C-T.
Other names: short protein forms G1178D.
Identifiers: ClinVar variation 1330680 (VCV001330680.7), dbSNP rs72656329, ClinGen allele CA400198402.
Genomic context (GRCh38, chr17:50,186,921, plus strand): 5'-AAGTCGAAACCAGCGCTGGGAGGACCAGGGGGACCAGGAGGTCCAGGAGGGCCGGGGGGA[C>T]CCTGCACAGAGAGGGAAGAGAGTGGGGATTACCGGCATCCAAGTGCTTTGGGGGCTGGAG-3'
Protein context (NP_000079.2, residues 1168-1188): RGRTGDAGPV[Gly1178Asp]PPGPPGPPGP

ClinVar aggregate classification (germline): Likely pathogenic (1 of 4 stars; one submission).

Submission:

ARUP Laboratories, Molecular Genetics and Genomics, ARUP Laboratories
Classification: Likely pathogenic. Last evaluated: 2020-12-16. Review status: criteria provided, single submitter. Criteria: ARUP Molecular Germline Variant Investigation Process 2021. Collection method: clinical testing. Allele origin: germline.
Comment: The COL1A1 c.3533G>A; p.Gly1178Asp variant, to our knowledge, is not reported in the medical literature or gene-specific databases. This variant is also absent from general population databases (Exome Variant Server, Genome Aggregation Database), indicating it is not a common polymorphism. The glycine at codon 1178 is highly conserved, and computational analyses predict that this variant is deleterious (REVEL: 0.977). This codon is located in a triple helix repeat domain, and glycine substitutions are the most frequent pathogenic alterations in this region (Ben Amor 2011). Another amino acid substitution at this codon (p.Gly1178Val) has been reported in individuals with osteogenesis imperfecta type II and was considered disease-causing (Marini 2007). Based on available information, the p.Gly1178Asp variant is considered to be likely pathogenic. References: Ben Amor I et al. Genotype-phenotype correlations in autosomal dominant osteogenesis imperfecta. J Osteoporos. 2011; 2011:540178. Marini JC et al. Consortium for osteogenesis imperfecta mutations in the helical domain of type I collagen: regions rich in lethal mutations align with collagen binding sites for integrins and proteoglycans. Hum Mutat. 2007 Mar;28(3):209-21.